The following is an entry in ClinVar:

ClinVar aggregate classification (germline): Uncertain significance (1 of 4 stars; one submission).

Conditions:
Bardet-Biedl syndrome (BBS). Identifiers: Orphanet 110, MedGen C0752166, MONDO:0015229.

Allele frequency attached by ClinVar (database versions not stated): gnomAD exomes below 0.00001.

Submission:

Labcorp Genetics (formerly Invitae), Labcorp
Classification: Uncertain significance for Bardet-Biedl syndrome. Last evaluated: 2021-11-27. Review status: criteria provided, single submitter. Criteria: Invitae Variant Classification Sherloc (09022015). Collection method: clinical testing. Allele origin: germline.
Comment: This sequence change replaces threonine, which is neutral and polar, with isoleucine, which is neutral and non-polar, at codon 316 of the BBS4 protein (p.Thr316Ile). This variant is present in population databases (no rsID available, gnomAD 0.01%). This variant has not been reported in the literature in individuals affected with BBS4-related conditions. Algorithms developed to predict the effect of missense changes on protein structure and function are either unavailable or do not agree on the potential impact of this missense change (SIFT: "Tolerated"; PolyPhen-2: "Probably Damaging"; Align-GVGD: "Class C0"). In summary, the available evidence is currently insufficient to determine the role of this variant in disease. Therefore, it has been classified as a Variant of Uncertain Significance.

NM_033028.5(BBS4):c.947C>T (p.Thr316Ile)

Gene: BBS4 (Bardet-Biedl syndrome 4; plus strand). Cytogenetic location: 15q24.1.
Variant type: single nucleotide variant.
Coding change: c.947C>T on transcript NM_033028.5 (MANE Select); coding-DNA position 947, C replaced by T.
Protein change: p.Thr316Ile; replaces threonine 316 with isoleucine.
Molecular consequence: missense variant. On other transcripts: non-coding transcript variant (2).
Genome position (GRCh38, 1-based): chr15:72,731,637, C>T. VCF-style: chr15-72731637-C-T. GRCh37 (hg19) VCF-style: chr15-73023978-C-T.
Other names: c.431C>T, p.Thr144Ile (NM_001252678.2); c.878C>T, p.Thr293Ile (NM_001320665.2); short protein forms T144I, T293I, T316I.
Identifiers: ClinVar variation 1931832 (VCV001931832.2), dbSNP rs1386490264, ClinGen allele CA393078903.